The following is an entry in ClinVar:

ClinVar aggregate classification (germline): Conflicting classifications of pathogenicity. Review status: criteria provided, conflicting classifications (1 of 4 stars). 2 submissions from 2 submitters: Uncertain significance (1); Likely benign (1). Last evaluated 2025-05-27.

Conditions:
Familial thoracic aortic aneurysm and aortic dissection (TAAD). Also called: Thoracic aortic aneurysms and dissections. Identifiers: Orphanet 91387, MedGen C4707243, MONDO:0019625.

Allele frequency attached by ClinVar (database versions not stated): gnomAD exomes below 0.00001; TOPMed below 0.00001; gnomAD 0.00001.
gnomAD v4.1: 6 of 1,614,008 alleles (0.00037%); highest among the groups gnomAD compares: Non-Finnish European, 0.00051%; no homozygotes.

Submissions (2):

Women's Health and Genetics/Laboratory Corporation of America, LabCorp
Classification: Uncertain significance. Last evaluated: 2025-05-27. Review status: criteria provided, single submitter. Criteria: LabCorp Variant Classification Summary - May 2015. Collection method: clinical testing. Allele origin: germline.
Comment: Variant summary: PLOD1 c.944A>G (p.Gln315Arg) results in a conservative amino acid change in the encoded protein sequence. Algorithms developed to predict the effect of missense changes on protein structure and function all suggest that this variant is likely to be tolerated. The variant was absent in 251282 control chromosomes. The available data on variant occurrences in the general population are insufficient to allow any conclusion about variant significance. To our knowledge, no occurrence of c.944A>G in individuals affected with Ehlers-Danlos syndrome, kyphoscoliotic type 1 and no experimental evidence demonstrating its impact on protein function have been reported. ClinVar contains an entry for this variant (Variation ID: 2497549). Based on the evidence outlined above, the variant was classified as uncertain significance.

Ambry Genetics
Classification: Likely benign for Familial thoracic aortic aneurysm and aortic dissection. Last evaluated: 2022-11-04. Review status: criteria provided, single submitter. Criteria: Ambry Variant Classification Scheme 2023. Collection method: clinical testing. Allele origin: germline.

NM_000302.4(PLOD1):c.944A>G (p.Gln315Arg)

Gene: PLOD1 (procollagen-lysine,2-oxoglutarate 5-dioxygenase 1; plus strand). Cytogenetic location: 1p36.22.
Variant type: single nucleotide variant.
Coding change: c.944A>G on transcript NM_000302.4 (MANE Select); coding-DNA position 944, A replaced by G.
Protein change: p.Gln315Arg; replaces glutamine 315 with arginine.
Molecular consequence: missense variant.
Genome position (GRCh38, 1-based): chr1:11,958,616, A>G. VCF-style: chr1-11958616-A-G. GRCh37 (hg19) VCF-style: chr1-12018673-A-G.
Other names: c.1085A>G, p.Gln362Arg (NM_001316320.2); short protein forms Q362R, Q315R.
Identifiers: ClinVar variation 2497549 (VCV002497549.3), dbSNP rs1569708580, ClinGen allele CA338434809.
Genomic context (GRCh38, chr1:11,958,616, plus strand): 5'-AACAGCCCACGCCGTTTGTGTCCCTGTTCTTCCAGCGGCTCCTGCGGCTCCACTACCCCC[A>G]GAAACACATGCGACTTTTCATCCACAACCACGTGAGTAACAGGCGCTCTGTGGGGTCGTC-3'
Protein context (NP_000293.2, residues 305-325): FQRLLRLHYP[Gln315Arg]KHMRLFIHNH